The following is an entry in ClinVar:

NM_001374736.1(DST):c.19165C>G (p.Gln6389Glu)

Gene: DST (dystonin; minus strand). Cytogenetic location: 6p12.1.
Variant type: single nucleotide variant.
Coding change: c.19165C>G on transcript NM_001374736.1 (MANE Select); coding-DNA position 19165, C replaced by G.
Protein change: p.Gln6389Glu; replaces glutamine 6389 with glutamic acid.
Molecular consequence: missense variant.
Genome position (GRCh38, 1-based): chr6:56,508,603, G>C on the plus strand (C>G on the coding strand, the complement: DST is on the minus strand). VCF-style: chr6-56508603-G-C. GRCh37 (hg19) VCF-style: chr6-56373401-G-C.
Other names: c.12808C>G, p.Gln4270Glu (NM_001144769.5); c.12394C>G, p.Gln4132Glu (NM_001144770.2); c.19165C>G, p.Gln6389Glu (NM_001374722.1); c.18205C>G, p.Gln6069Glu (NM_001374729.1); c.11947C>G, p.Gln3983Glu (NM_001374730.1); c.19192C>G, p.Gln6398Glu (NM_001374734.1); c.12274C>G, p.Gln4092Glu (NM_001386100.1, NM_183380.4); c.11296C>G, p.Gln3766Glu (NM_015548.5); short protein forms Q3766E, Q3983E, Q4092E, Q4132E, Q4270E, Q6069E, Q6389E, Q6398E.
Identifiers: ClinVar variation 3761125 (VCV003761125.2).

ClinVar aggregate classification (germline): Uncertain significance (1 of 4 stars; one submission).

Conditions:
Epidermolysis bullosa simplex 3, localized or generalized intermediate, with BP230 deficiency (EBS3). Also called: Epidermolysis bullosa simplex due to BP230 deficiency; Epidermolysis bullosa simplex, autosomal recessive 2. Identifiers: Orphanet 412181, MedGen C3809470, MONDO:0014180, OMIM 615425.
Hereditary sensory and autonomic neuropathy type 6. Also called: Neuropathy, hereditary sensory and autonomic, type VI; HSAN VI. Identifiers: Orphanet 314381, MedGen C3539003, MONDO:0013839, OMIM 614653.

Submission:

Labcorp Genetics (formerly Invitae), Labcorp
Classification: Uncertain significance for Epidermolysis bullosa simplex 3, localized or generalized intermediate, with BP230 deficiency; Hereditary sensory and autonomic neuropathy type 6. Last evaluated: 2024-06-13. Review status: criteria provided, single submitter. Criteria: Invitae Variant Classification Sherloc (09022015). Collection method: clinical testing. Allele origin: germline.
Comment: The DST gene has multiple clinically relevant transcripts. This variant occurs in alternate transcript NM_0015548.4, and corresponds to NM_001723.5:c.*106914C>G in the primary transcript. This sequence change replaces glutamine, which is neutral and polar, with glutamic acid, which is acidic and polar, at codon 3766 of the DST protein (p.Gln3766Glu). This variant is not present in population databases (gnomAD no frequency). This variant has not been reported in the literature in individuals affected with DST-related conditions. Experimental studies and prediction algorithms are not available or were not evaluated, and the functional significance of this variant is currently unknown. In summary, the available evidence is currently insufficient to determine the role of this variant in disease. Therefore, it has been classified as a Variant of Uncertain Significance.